The following is an entry in ClinVar:

NM_194248.3(OTOF):c.3966C>G (p.Asp1322Glu)

Gene: OTOF (otoferlin; minus strand). Cytogenetic location: 2p23.3.
Variant type: single nucleotide variant.
Coding change: c.3966C>G on transcript NM_194248.3 (MANE Select); coding-DNA position 3966, C replaced by G.
Protein change: p.Asp1322Glu; replaces aspartic acid 1322 with glutamic acid.
Molecular consequence: missense variant.
Genome position (GRCh38, 1-based): chr2:26,470,650, G>C on the plus strand (C>G on the coding strand, the complement: OTOF is on the minus strand). VCF-style: chr2-26470650-G-C. GRCh37 (hg19) VCF-style: chr2-26693518-G-C.
Other names: c.3966C>G, p.Asp1322Glu (NM_001287489.2); c.1665C>G, p.Asp555Glu (NM_004802.4, NM_194323.3); c.1896C>G, p.Asp632Glu (NM_194322.3); short protein forms D1322E, D632E, D555E.
Identifiers: ClinVar variation 21848 (VCV000021848.65), dbSNP rs80356576, ClinGen allele CA142877.

ClinVar aggregate classification (germline): Conflicting classifications of pathogenicity. Review status: criteria provided, conflicting classifications (1 of 4 stars). 11 submissions from 11 submitters: Uncertain significance (7); Likely benign (3). 1 of the submissions does not count toward it. Last evaluated 2026-09-25.

Conditions:
OTOF-related disorder. Also called: OTOF-related condition.
Autosomal recessive nonsyndromic hearing loss 9. Also called: NEUROSENSORY NONSYNDROMIC RECESSIVE DEAFNESS 9; OTOF-Related Hearing Loss; AUDITORY NEUROPATHY, AUTOSOMAL RECESSIVE, 1, TEMPERATURE-SENSITIVE; Deafness, autosomal recessive 9. Identifiers: Orphanet 90636, MedGen C1832828, MONDO:0010986, OMIM 601071.

Allele frequency attached by ClinVar (database versions not stated): ESP Exome Variant Server 0.00054; 1000 Genomes Project 0.00060; ExAC 0.00061; 1000 Genomes Project 30x 0.00047; gnomAD exomes 0.00072; TOPMed 0.00075; gnomAD 0.00096.
gnomAD v4.1: 1,854 of 1,614,118 alleles (0.11%); highest among the groups gnomAD compares: Non-Finnish European, 0.14%; 1 homozygote.

Submissions (11):

PreventionGenetics, part of Exact Sciences
Classification: Uncertain significance for OTOF-related condition. Last evaluated: 2026-09-25. Review status: criteria provided, single submitter. Criteria: ACMG Guidelines, 2015. Collection method: clinical testing. Allele origin: germline.
Comment: The OTOF c.3966C>G variant is predicted to result in the amino acid substitution p.Asp1322Glu. To our knowledge, this variant has not been reported in the literature. This variant is reported in 0.13% of alleles in individuals of European (Non-Finnish) descent in gnomAD. Although we suspect that this variant may be benign, at this time, the clinical significance of this variant is uncertain due to the absence of conclusive functional and genetic evidence.

Labcorp Genetics (formerly Invitae), Labcorp
Classification: Likely benign. Last evaluated: 2026-02-02. Review status: criteria provided, single submitter. Criteria: Invitae Variant Classification Sherloc (09022015). Collection method: clinical testing. Allele origin: germline.

CeGaT Center for Human Genetics Tuebingen
Classification: Likely benign. Last evaluated: 2025-01-01. Review status: criteria provided, single submitter. Criteria: CeGaT Center For Human Genetics Tuebingen Variant Classification Criteria Version 2. Collection method: clinical testing. Allele origin: germline. Affected: yes. Observed: 2 variant alleles.
Comment: OTOF: BS2

Blueprint Genetics
Classification: Uncertain significance. Last evaluated: 2024-11-19. Review status: criteria provided, single submitter. Criteria: ACMG Guidelines, 2015. Collection method: clinical testing. Allele origin: germline.

GeneDx
Classification: Uncertain significance. Last evaluated: 2021-03-26. Review status: criteria provided, single submitter. Criteria: GeneDx Variant Classification Process June 2021. Collection method: clinical testing. Allele origin: germline. Affected: yes.
Comment: Observed in one or more patients with hearing loss in published literature; no specific information provided (Varga et al., 2006); In silico analysis supports that this missense variant does not alter protein structure/function; This variant is associated with the following publications: (PMID: 16371502)

Athena Diagnostics
Classification: Uncertain significance. Last evaluated: 2019-03-12. Review status: criteria provided, single submitter. Criteria: Athena Diagnostics Criteria. Collection method: clinical testing. Allele origin: germline.

Revvity Omics, Revvity
Classification: Uncertain significance for Autosomal recessive nonsyndromic hearing loss 9. Last evaluated: 2019-01-18. Review status: criteria provided, single submitter. Criteria: ACMG Guidelines, 2015. Collection method: clinical testing. Allele origin: germline.

Laboratory for Molecular Medicine, Mass General Brigham Personalized Medicine
Classification: Uncertain significance. Last evaluated: 2018-08-10. Review status: criteria provided, single submitter. Criteria: LMM Criteria. Collection method: clinical testing. Allele origin: germline. Observed: 6 variant alleles.
Comment: Variant classified as Uncertain Significance - Favor Benign. The p.Asp1322Glu va riant in OTOF has been previously reported by our laboratory in 3 heterozygous C aucasian and 1 heterozygous Latino individuals with hearing loss, but none had a second OTOF variant. The p.Asp1322Glu variant has also been reported as a benig n variant based on its identification in both cases and controls (Varga 2006). I t has also been reported in ClinVar (Variation ID 21848) and has been identified in 0.1% (170/126566) of European chromosomes by gnomAD (dbSNP rs80356576). Computational prediction tools and conservation an alysis suggest that the p.Asp1322Glu variant may impact the protein, though this information is not predictive enough to determine pathogenicity. In summary, wh ile the clinical significance of the p.Asp1322Glu variant is uncertain, these da ta suggest that it is more likely to be benign. ACMG/AMP Criteria applied: PP3, BS1_Supporting.

Center for Pediatric Genomic Medicine, Children's Mercy Hospital and Clinics
Classification: Likely benign. Last evaluated: 2017-06-26. Review status: criteria provided, single submitter. Criteria: ACMG Guidelines, 2015. Collection method: clinical testing. Allele origin: germline.

Illumina Laboratory Services, Illumina
Classification: Uncertain significance for Autosomal recessive nonsyndromic hearing loss 9. Last evaluated: 2017-04-27. Review status: criteria provided, single submitter. Criteria: ICSL Variant Classification Criteria 13 December 2019. Collection method: clinical testing. Allele origin: germline.
Comment: This variant was observed as part of a predisposition screen in an ostensibly healthy population. A literature search was performed for the gene, cDNA change, and amino acid change (where applicable). Publications were found based on this search. However, the evidence from the literature, in combination with allele frequency data from public databases where available, was not sufficient to rule this variant in or out of causing disease. Therefore, this variant is classified as a variant of unknown significance.

GeneReviews
No classification provided. Condition: Autosomal recessive nonsyndromic hearing loss 9. Review status: no classification provided. Collection method: literature only. Allele origin: unknown. Not counted in ClinVar's aggregate classification.

Literature cited by the submitters: PubMed 16371502 (cited by 3 submitters); PubMed 20301429 (cited by GeneReviews); NCBI Bookshelf NBK1251 (cited by GeneReviews).